The following is an entry in ClinVar:

NM_004656.4(BAP1):c.755G>A (p.Arg252His)

Gene: BAP1 (BRCA1 associated deubiquitinase 1; minus strand). Cytogenetic location: 3p21.1.
Variant type: single nucleotide variant.
Coding change: c.755G>A on transcript NM_004656.4 (MANE Select); coding-DNA position 755, G replaced by A.
Protein change: p.Arg252His; replaces arginine 252 with histidine.
Molecular consequence: missense variant.
Genome position (GRCh38, 1-based): chr3:52,406,281, C>T on the plus strand (G>A on the coding strand, the complement: BAP1 is on the minus strand). VCF-style: chr3-52406281-C-T. GRCh37 (hg19) VCF-style: chr3-52440297-C-T.
Other names: c.755G>A (NM_004656.3); short protein forms R252H.
Identifiers: ClinVar variation 827124 (VCV000827124.11), dbSNP rs759024400, ClinGen allele CA2437010.

ClinVar aggregate classification (germline): Conflicting classifications of pathogenicity. Review status: criteria provided, conflicting classifications (1 of 4 stars). 4 submissions from 4 submitters: Uncertain significance (3); Likely benign (1). Last evaluated 2024-07-15.

Conditions:
BAP1-related tumor predisposition syndrome (TPDS1). Also called: Tumor susceptibility linked to germline BAP1 mutations; BAP1 tumor predisposition syndrome; TUMOR PREDISPOSITION SYNDROME 1; COMMON Syndrome. Identifiers: Orphanet 289539, MedGen C3280492, MONDO:0013692, OMIM 614327.
Hereditary cancer-predisposing syndrome. Also called: Neoplastic Syndromes, Hereditary; Tumor predisposition; Hereditary neoplastic syndrome; Hereditary Cancer Syndrome. Identifiers: Orphanet 140162, MedGen C0027672, MeSH D009386, MONDO:0015356.

Allele frequency attached by ClinVar (database versions not stated): gnomAD exomes below 0.00001 and 0.00001; ExAC 0.00001.
gnomAD v4.1: 4 of 1,614,198 alleles (0.00025%); highest among the groups gnomAD compares: Non-Finnish European, 0.00034%; no homozygotes.

Submissions (4):

Myriad Genetics, Inc.
Classification: Likely benign for BAP1-related tumor predisposition syndrome. Last evaluated: 2024-07-15. Review status: criteria provided, single submitter. Criteria: Myriad Autosomal Dominant, Autosomal Recessive and X-Linked Classification Criteria (2023). Collection method: clinical testing. Allele origin: unknown.
Comment: This variant is considered likely benign. This variant has been observed at a population frequency that is significantly greater than expected given the associated disease prevalence and penetrance.

Ambry Genetics
Classification: Uncertain significance for Hereditary cancer-predisposing syndrome. Last evaluated: 2024-03-06. Review status: criteria provided, single submitter. Criteria: Ambry Variant Classification Scheme 2023. Collection method: clinical testing. Allele origin: germline.
Comment: The p.R252H variant (also known as c.755G>A), located in coding exon 9 of the BAP1 gene, results from a G to A substitution at nucleotide position 755. The arginine at codon 252 is replaced by histidine, an amino acid with highly similar properties. This amino acid position is highly conserved in available vertebrate species. In addition, this alteration is predicted to be deleterious by in silico analysis. Based on the available evidence, the clinical significance of this alteration remains unclear.

Labcorp Genetics (formerly Invitae), Labcorp
Classification: Uncertain significance for BAP1-related tumor predisposition syndrome. Last evaluated: 2024-02-08. Review status: criteria provided, single submitter. Criteria: Invitae Variant Classification Sherloc (09022015). Collection method: clinical testing. Allele origin: germline.
Comment: This sequence change replaces arginine, which is basic and polar, with histidine, which is basic and polar, at codon 252 of the BAP1 protein (p.Arg252His). This variant is present in population databases (rs759024400, gnomAD 0.002%). This variant has not been reported in the literature in individuals affected with BAP1-related conditions. ClinVar contains an entry for this variant (Variation ID: 827124). Advanced modeling of protein sequence and biophysical properties (such as structural, functional, and spatial information, amino acid conservation, physicochemical variation, residue mobility, and thermodynamic stability) has been performed at Invitae for this missense variant, however the output from this modeling did not meet the statistical confidence thresholds required to predict the impact of this variant on BAP1 protein function. In summary, the available evidence is currently insufficient to determine the role of this variant in disease. Therefore, it has been classified as a Variant of Uncertain Significance.

Quest Diagnostics Nichols Institute San Juan Capistrano
Classification: Uncertain significance. Last evaluated: 2023-08-16. Review status: criteria provided, single submitter. Criteria: Quest Diagnostics criteria. Collection method: clinical testing. Allele origin: unknown.
Comment: The variant has not been reported in individuals with BAP1-related conditions in the published literature. The frequency of this variant in the general population, 0.000008 (2/251294 chromosomes (Genome Aggregation Database)), is uninformative in the assessment of its pathogenicity. Analysis of this variant using bioinformatics tools for the prediction of the effect of amino acid changes on protein structure and function yielded predictions that this variant is benign. Based on the available information, we are unable to determine the clinical significance of this variant.